The following is an entry in ClinVar:

ClinVar aggregate classification (germline): Pathogenic/Likely pathogenic. Review status: criteria provided, multiple submitters, no conflicts (2 of 4 stars). 5 submissions from 5 submitters: Pathogenic (2); Likely pathogenic (3). Last evaluated 2025-09-15.

Conditions:
Axillary freckling. Identifiers: MedGen C1860335, HP:0000997.
Cafe-au-lait spot. Also called: café-au-lait spots; Café au Lait; Café-au-lait spot. Identifiers: MedGen C0221263, HP:0000957.
Plexiform neurofibroma. Identifiers: MedGen C0206728, MONDO:0003304, HP:0009732.
Juvenile myelomonocytic leukemia (JMML). Also called: LEUKEMIA, JUVENILE MYELOMONOCYTIC, SOMATIC. Identifiers: Orphanet 86834, MedGen C0349639, MONDO:0011908, OMIM 607785, HP:0012209.
Neurofibromatosis, type 1 (NF1). Also called: NEUROFIBROMATOSIS, TYPE I, SOMATIC; VON RECKLINGHAUSEN DISEASE; Peripheral type neurofibromatosis; Neurofibromatosis, type I. Identifiers: Orphanet 636, MedGen C0027831, MONDO:0018975, OMIM 162200. Disease mechanism: loss of function.

Allele frequency attached by ClinVar (database versions not stated): gnomAD exomes below 0.00001.
gnomAD v4.1: 1 of 1,611,916 alleles (0.000062%); highest among the groups gnomAD compares: Non-Finnish European, 0.000085%; no homozygotes.

Submissions (5):

GeneDx
Classification: Pathogenic. Last evaluated: 2025-09-15. Review status: criteria provided, single submitter. Criteria: GeneDx Variant Classification Process June 2021. Collection method: clinical testing. Allele origin: germline. Affected: yes.
Comment: Canonical splice site variant predicted to result in a null allele in a gene for which loss of function is a known mechanism of disease; Not observed at significant frequency in large population cohorts (gnomAD); Has not been previously published as pathogenic or benign to our knowledge; This variant is associated with the following publications: (PMID: 27535533)

Labcorp Genetics (formerly Invitae), Labcorp
Classification: Likely pathogenic for Neurofibromatosis, type 1. Last evaluated: 2024-10-03. Review status: criteria provided, single submitter. Criteria: Invitae Variant Classification Sherloc (09022015). Collection method: clinical testing. Allele origin: germline.
Comment: This sequence change affects an acceptor splice site in intron 38 of the NF1 gene. RNA analysis indicates that disruption of this splice site induces altered splicing and may result in an absent or altered protein product. This variant is not present in population databases (gnomAD no frequency). This variant has not been reported in the literature in individuals affected with NF1-related conditions. ClinVar contains an entry for this variant (Variation ID: 374204). Studies have shown that disruption of this splice site results in skipping of exon 40 and/or deletion of one nucleotide of exon 40, and produces a non-functional protein and/or introduces a premature termination codon (internal data). In summary, the currently available evidence indicates that the variant is pathogenic, but additional data are needed to prove that conclusively. Therefore, this variant has been classified as Likely Pathogenic.

Genome-Nilou Lab
Classification: Pathogenic for Neurofibromatosis, type 1. Last evaluated: 2022-03-15. Review status: criteria provided, single submitter. Criteria: ACMG Guidelines, 2015. Collection method: clinical testing. Allele origin: germline. Affected: no.

Baylor Genetics
Classification: Likely pathogenic for Juvenile myelomonocytic leukemia. Last evaluated: 2022-01-18. Review status: criteria provided, single submitter. Criteria: ACMG Guidelines, 2015. Collection method: clinical testing. Allele origin: unknown.

Centre for Mendelian Genomics, University Medical Centre Ljubljana
Classification: Likely pathogenic for Axillary freckling; Cafe-au-lait spot; Plexiform neurofibroma. Last evaluated: 2014-01-29. Review status: criteria provided, single submitter. Criteria: ACMG Guidelines, 2015. Collection method: clinical testing. Allele origin: unknown. Affected: yes.

NM_001042492.3(NF1):c.5813-1G>A

Gene: NF1 (neurofibromin 1; plus strand). Cytogenetic location: 17q11.2.
Variant type: single nucleotide variant.
Coding change: c.5813-1G>A on transcript NM_001042492.3 (MANE Select); the canonical splice acceptor site of the intron before coding-DNA position 5813, G replaced by A.
Molecular consequence: splice acceptor variant.
Genome position (GRCh38, 1-based): chr17:31,334,837, G>A. VCF-style: chr17-31334837-G-A. GRCh37 (hg19) VCF-style: chr17-29661855-G-A.
Other names: c.5750-1G>A (NM_000267.4).
Identifiers: ClinVar variation 374204 (VCV000374204.15), dbSNP rs1057518974, ClinGen allele CA16043525.